The following is an entry in ClinVar:

NM_001170629.2(CHD8):c.4570+2T>C

Gene: CHD8 (chromodomain helicase DNA binding protein 8; minus strand). Cytogenetic location: 14q11.2.
Variant type: single nucleotide variant.
Coding change: c.4570+2T>C on transcript NM_001170629.2 (MANE Select); the canonical splice donor site of the intron after coding-DNA position 4570, T replaced by C.
Molecular consequence: splice donor variant.
Genome position (GRCh38, 1-based): chr14:21,400,411, A>G on the plus strand (T>C on the coding strand, the complement: CHD8 is on the minus strand). VCF-style: chr14-21400411-A-G. GRCh37 (hg19) VCF-style: chr14-21868570-A-G.
Other names: c.3733+2T>C (NM_020920.4).
Identifiers: ClinVar variation 5005296 (VCV005005296.2).

ClinVar aggregate classification (germline): Uncertain significance (1 of 4 stars; one submission).

Conditions:
Intellectual developmental disorder with autism and macrocephaly. Also called: CHD8-Related Neurodevelopmental Disorder with Overgrowth; Autism, susceptibility to, 18. Identifiers: Orphanet 642675, MedGen C3554373, MONDO:0014017, OMIM 615032.

Submission:

Juno Genomics, Hangzhou Juno Genomics, Inc
Classification: Uncertain significance for Intellectual developmental disorder with autism and macrocephaly. Review status: criteria provided, single submitter. Criteria: ACMG Guidelines, 2015. Collection method: clinical testing. Allele origin: germline.
Comment: Null variant in a gene where loss of function (LOF) is a known mechanism of disease.;Absent from controls (or at extremely low frequency if recessive) in Genome Aggregation Database.